The following is an entry in ClinVar:

NM_012254.3(SLC27A5):c.1893C>G (p.Ile631Met)

Gene: SLC27A5 (solute carrier family 27 member 5; minus strand). Cytogenetic location: 19q13.43.
Variant type: single nucleotide variant.
Coding change: c.1893C>G on transcript NM_012254.3 (MANE Select); coding-DNA position 1893, C replaced by G.
Protein change: p.Ile631Met; replaces isoleucine 631 with methionine.
Molecular consequence: missense variant.
Genome position (GRCh38, 1-based): chr19:58,498,788, G>C on the plus strand (C>G on the coding strand, the complement: SLC27A5 is on the minus strand). VCF-style: chr19-58498788-G-C. GRCh37 (hg19) VCF-style: chr19-59010155-G-C.
Other names: c.1641C>G, p.Ile547Met (NM_001321196.2); short protein forms I631M, I547M.
Identifiers: ClinVar variation 2977752 (VCV002977752.3), dbSNP rs1381679861, ClinGen allele CA407946581.

ClinVar aggregate classification (germline): Uncertain significance (1 of 4 stars; one submission).

Allele frequency attached by ClinVar (database versions not stated): gnomAD 0.00001; TOPMed 0.00001.
gnomAD v4.1: 5 of 1,613,884 alleles (0.00031%); highest among the groups gnomAD compares: Non-Finnish European, 0.00042%; no homozygotes.

Submission:

Labcorp Genetics (formerly Invitae), Labcorp
Classification: Uncertain significance. Last evaluated: 2023-06-28. Review status: criteria provided, single submitter. Criteria: Invitae Variant Classification Sherloc (09022015). Collection method: clinical testing. Allele origin: germline.
Comment: In summary, the available evidence is currently insufficient to determine the role of this variant in disease. Therefore, it has been classified as a Variant of Uncertain Significance. An algorithm developed to predict the effect of missense changes on protein structure and function (PolyPhen-2) suggests that this variant is likely to be disruptive. This variant has not been reported in the literature in individuals affected with SLC27A5-related conditions. This variant is not present in population databases (gnomAD no frequency). This sequence change replaces isoleucine, which is neutral and non-polar, with methionine, which is neutral and non-polar, at codon 631 of the SLC27A5 protein (p.Ile631Met).